The following is an entry in ClinVar:

NM_006218.4(PIK3CA):c.469A>G (p.Asn157Asp)

Gene: PIK3CA (phosphatidylinositol-4,5-bisphosphate 3-kinase catalytic subunit alpha; plus strand). Cytogenetic location: 3q26.32.
Variant type: single nucleotide variant.
Coding change: c.469A>G on transcript NM_006218.4 (MANE Select); coding-DNA position 469, A replaced by G.
Protein change: p.Asn157Asp; replaces asparagine 157 with aspartic acid.
Molecular consequence: missense variant.
Genome position (GRCh38, 1-based): chr3:179,199,806, A>G. VCF-style: chr3-179199806-A-G. GRCh37 (hg19) VCF-style: chr3-178917594-A-G.
Other names: short protein forms N157D.
Identifiers: ClinVar variation 4861898 (VCV004861898.1).

ClinVar aggregate classification (germline): Uncertain significance (1 of 4 stars; one submission).

Conditions:
Inborn genetic diseases. Identifiers: MedGen C0950123, MeSH D030342.

Submission:

Ambry Genetics
Classification: Uncertain significance for Inborn genetic diseases. Last evaluated: 2026-06-10. Review status: criteria provided, single submitter. Criteria: Ambry Variant Classification Scheme 2023. Collection method: clinical testing. Allele origin: germline.
Comment: The p.N157D variant (also known as c.469A>G), located in coding exon 2 of the PIK3CA gene, results from an A to G substitution at nucleotide position 469. The asparagine at codon 157 is replaced by aspartic acid, an amino acid with highly similar properties. This amino acid position is conserved. In addition, this alteration is predicted to be tolerated by in silico analysis. Based on the available evidence, the clinical significance of this variant remains unclear.